The following is an entry in ClinVar:

ClinVar aggregate classification (germline): Uncertain significance (1 of 4 stars; one submission).

Conditions:
H syndrome. Also called: HISTIOCYTOSIS AND LYMPHADENOPATHY WITH OR WITHOUT CUTANEOUS, CARDIAC, AND/OR ENDOCRINE FEATURES, JOINT CONTRACTURES, AND/OR DEAFNESS; HYPERPIGMENTATION, CUTANEOUS, WITH HYPERTRICHOSIS, HEPATOSPLENOMEGALY, HEART ANOMALIES, AND HYPOGONADISM WITH OR WITHOUT HEARING LOSS; PIGMENTED HYPERTRICHOSIS WITH INSULIN-DEPENDENT DIABETES MELLITUS; ROSAI-DORFMAN DISEASE, FAMILIAL; SINUS HISTIOCYTOSIS AND MASSIVE LYMPHADENOPATHY; Hyperpigmentation, Cutaneous, with Hypertrichosis, Hepatosplenomegaly, Heart Anomalies, Hearing Loss, and Hypogonadism. Identifiers: Orphanet 168569, MedGen C1864445, MONDO:0011273, OMIM 602782.

Allele frequency attached by ClinVar (database versions not stated): ExAC 0.00001.
gnomAD v4.1: 1 of 1,614,208 alleles (0.000062%); highest among the groups gnomAD compares: Non-Finnish European, 0.000085%; no homozygotes.

Submission:

Labcorp Genetics (formerly Invitae), Labcorp
Classification: Uncertain significance for H syndrome. Last evaluated: 2024-10-16. Review status: criteria provided, single submitter. Criteria: Invitae Variant Classification Sherloc (09022015). Collection method: clinical testing. Allele origin: germline.
Comment: This sequence change replaces threonine, which is neutral and polar, with isoleucine, which is neutral and non-polar, at codon 431 of the SLC29A3 protein (p.Thr431Ile). This variant is present in population databases (rs758061099, gnomAD 0.0009%). This variant has not been reported in the literature in individuals affected with SLC29A3-related conditions. ClinVar contains an entry for this variant (Variation ID: 1055757). Invitae Evidence Modeling of protein sequence and biophysical properties (such as structural, functional, and spatial information, amino acid conservation, physicochemical variation, residue mobility, and thermodynamic stability) has been performed for this missense variant. However, the output from this modeling did not meet the statistical confidence thresholds required to predict the impact of this variant on SLC29A3 protein function. In summary, the available evidence is currently insufficient to determine the role of this variant in disease. Therefore, it has been classified as a Variant of Uncertain Significance.

NM_018344.6(SLC29A3):c.1292C>T (p.Thr431Ile)

Gene: SLC29A3 (solute carrier family 29 member 3; plus strand). Cytogenetic location: 10q22.1.
Variant type: single nucleotide variant.
Coding change: c.1292C>T on transcript NM_018344.6 (MANE Select); coding-DNA position 1292, C replaced by T.
Protein change: p.Thr431Ile; replaces threonine 431 with isoleucine.
Molecular consequence: missense variant. On other transcripts: 3 prime UTR variant (1), non-coding transcript variant (2).
Genome position (GRCh38, 1-based): chr10:71,362,472, C>T. VCF-style: chr10-71362472-C-T. GRCh37 (hg19) VCF-style: chr10-73122229-C-T.
Other names: c.*521C>T (NM_001174098.2); c.1058C>T, p.Thr353Ile (NM_001363518.2); short protein forms T353I, T431I.
Identifiers: ClinVar variation 1055757 (VCV001055757.10), dbSNP rs758061099, ClinGen allele CA5543176.